The following is an entry in ClinVar:

NM_000093.5(COL5A1):c.4609-269G>A

Genes: COL5A1 (collagen type V alpha 1 chain; plus strand), LOC101448202 (uncharacterized LOC101448202; minus strand). Cytogenetic location: 9q34.3.
Variant type: single nucleotide variant.
Coding change: c.4609-269G>A on transcript NM_000093.5 (MANE Select); 269 bases into the intron before coding-DNA position 4609, G replaced by A.
Molecular consequence: intron variant.
Genome position (GRCh38, 1-based): chr9:134,822,729, G>A. VCF-style: chr9-134822729-G-A. GRCh37 (hg19) VCF-style: chr9-137714575-G-A.
Other names: c.4609-269G>A (NM_001278074.1).
Identifiers: ClinVar variation 683400 (VCV000683400.1), dbSNP rs10657539, ClinGen allele CA12975202.

ClinVar aggregate classification (germline): Benign (1 of 4 stars; one submission).

Allele frequency attached by ClinVar (database versions not stated): 1000 Genomes Project 0.29792; TOPMed 0.33625; gnomAD 0.39715 and 0.41039.
gnomAD v4.1: 51,512 of 129,856 alleles (40%); highest among the groups gnomAD compares: Non-Finnish European, 46%; 9,719 homozygotes.

Submission:

GeneDx
Classification: Benign. Last evaluated: 2018-06-18. Review status: criteria provided, single submitter. Criteria: GeneDx Variant Classification (06012015). Collection method: clinical testing. Allele origin: germline. Affected: yes.
Comment: This variant is considered likely benign or benign based on one or more of the following criteria: it is a conservative change, it occurs at a poorly conserved position in the protein, it is predicted to be benign by multiple in silico algorithms, and/or has population frequency not consistent with disease.